The following is an entry in ClinVar:

NM_000235.4(LIPA):c.615_624del (p.Ala207fs)

Gene: LIPA (lipase A, lysosomal acid type; minus strand). Cytogenetic location: 10q23.31.
Variant type: Deletion.
Coding change: c.615_624del on transcript NM_000235.4 (MANE Select); coding-DNA positions 615 to 624, 10 bases deleted (CGTCGCCTTC; older notation c.615_624delCGTCGCCTTC).
Protein change: p.Ala207fs; shifts the reading frame from alanine 207.
Molecular consequence: frameshift variant.
Genome position (GRCh38, 1-based): chr10:89,225,143-89,225,152, GAAGGCGACG deleted on the plus strand (CGTCGCCTTC on the coding strand, the reverse complement: LIPA is on the minus strand); deleting any 10 consecutive bases within chr10:89,225,143-89,225,156 gives the same sequence; the c. name uses the placement nearest the transcript's 3' end. VCF-style (leftmost placement, unchanged base first): chr10-89225142-AGAAGGCGACG-A. GRCh37 (hg19) VCF-style: chr10-90984899-AGAAGGCGACG-A.
Other names: c.615_624del, p.Ala207fs (NM_001127605.3, NM_001440818.1, NM_001440819.1 and 16 more transcripts); c.267_276del, p.Ala91fs (NM_001288979.2); c.747_756del, p.Ala251fs (NM_001440836.1); c.636_645del, p.Ala214fs (NM_001440837.1); c.630_639del, p.Ala212fs (NM_001440838.1); c.447_456del, p.Ala151fs (NM_001440839.1); short protein forms A151fs, A207fs, A212fs, A214fs, A251fs, A91fs.
Identifiers: ClinVar variation 4817959 (VCV004817959.2).

ClinVar aggregate classification (germline): Pathogenic/Likely pathogenic. Review status: criteria provided, multiple submitters, no conflicts (2 of 4 stars). 2 submissions from 2 submitters: Pathogenic (1); Likely pathogenic (1). Last evaluated 2025-07-01.

Conditions:
Lysosomal acid lipase deficiency. Also called: Acid cholesteryl ester hydrolase deficiency, type 2. Identifiers: Orphanet 275761, MedGen C5574740, MONDO:0800449, MONDO:0010204.

Submissions (2):

Natera, Inc.
Classification: Likely pathogenic for Lysosomal acid lipase deficiency. Last evaluated: 2025-07-01. Review status: criteria provided, single submitter. Criteria: Natera Variant Classification Schema (03/2026). Collection method: clinical testing. Allele origin: germline.
Comment: The c.615_624del variant in LIPA is a frameshift variant predicted to shift the reading frame beginning at codon 207 and leads to a stop codon 7 codons downstream. This variant is expected to result in nonsense mediated decay, truncation, or a dysfunctional protein product. This variant is rare in the general population with a frequency below the threshold expected for the associated phenotype(s). Given the available evidence, this variant is classified as Likely Pathogenic.

Myriad Genetics, Inc.
Classification: Pathogenic for Lysosomal acid lipase deficiency. Last evaluated: 2025-04-26. Review status: criteria provided, single submitter. Criteria: Myriad Autosomal Dominant, Autosomal Recessive and X-Linked Classification Criteria (2023). Collection method: clinical testing. Allele origin: unknown.
Comment: NM_000235.2(LIPA):c.615_624del10(A207Lfs*7) is expected to be pathogenic in the context of lysosomal acid lipase deficiency. This variant is predicted to lead to an abnormal or absent protein product due to the creation of a premature termination codon in LIPA, a gene where loss-of-function variants are known to be pathogenic. Please note: this variant was assessed in the context of healthy population screening.